The following is an entry in ClinVar:

ClinVar aggregate classification (germline): Pathogenic (1 of 4 stars; one submission).

Submission:

Labcorp Genetics (formerly Invitae), Labcorp
Classification: Pathogenic. Last evaluated: 2023-08-03. Review status: criteria provided, single submitter. Criteria: Invitae Variant Classification Sherloc (09022015). Collection method: clinical testing. Allele origin: unknown.
Comment: For these reasons, this variant has been classified as Pathogenic. A similar copy number variant has been observed in individual(s) with Farber granulomatosis (PMID: 32875576). This variant is a gross deletion of the genomic region encompassing exon(s) 5 of the ASAH1 gene. This deletion is out-of-frame, and is expected to create a premature termination codon and result in an absent or disrupted protein product. Loss-of-function variants in ASAH1 are known to be pathogenic (PMID: 24164096, 24355074).

Literature cited by the submitters: PubMed 32875576; PubMed 24164096; PubMed 24355074.

NC_000008.10:g.(?_17924709)_(17924827_?)del

Gene: ASAH1 (N-acylsphingosine amidohydrolase 1; minus strand). Cytogenetic location: 8p22.
Variant type: Deletion.
Identifiers: ClinVar variation 3245612 (VCV003245612.1).